The following is an entry in ClinVar:

ClinVar aggregate classification (germline): Pathogenic. Review status: reviewed by expert panel (3 of 4 stars). 17 submissions from 17 submitters: Pathogenic (1). 16 of the submissions do not count toward it. Last evaluated 2016-09-08.
ClinVar aggregate classification (oncogenicity): Oncogenic (1 of 4 stars; one submission).

Conditions:
BRCA2-related cancer predisposition. Identifiers: MedGen CN377758, MONDO:0700269.
Inherited breast cancer and ovarian cancer.
Hereditary cancer-predisposing syndrome. Also called: Tumor predisposition; Neoplastic Syndromes, Hereditary; Hereditary neoplastic syndrome; Hereditary Cancer Syndrome. Identifiers: Orphanet 140162, MedGen C0027672, MeSH D009386, MONDO:0015356.
Hereditary breast ovarian cancer syndrome. Also called: Hereditary breast and ovarian cancer; Hereditary breast and ovarian cancer syndrome (HBOC); Hereditary breast and/or ovarian cancer syndrome; Breast and ovarian cancer; Hereditary breast and ovarian cancer syndrome; BRCA1- and BRCA2-Associated Hereditary Breast and Ovarian Cancer. Identifiers: Orphanet 145, MedGen C0677776, MeSH D061325, MONDO:0003582. Disease mechanism: loss of function.
Breast-ovarian cancer, familial, susceptibility to, 2 (BROVCA2). Also called: BRCA2 Hereditary Breast and Ovarian Cancer. Identifiers: Orphanet 145, MedGen C2675520, MONDO:0012933, OMIM 612555. Disease mechanism: loss of function.
Familial cancer of breast. Also called: Hereditary breast cancer; BREAST CANCER, FAMILIAL; hereditary breast carcinoma. Identifiers: Orphanet 227535, MedGen C0346153, MONDO:0016419, OMIM 114480. Disease mechanism: loss of function.
Neoplasm. Also called: tumor; Neoplasms; Neoplasm (disease). Identifiers: MedGen C0027651, MeSH D009369, MONDO:0005070, HP:0002664.

Submissions 1 to 12 of 18:

Evidence-based Network for the Interpretation of Germline Mutant Alleles (ENIGMA)
Classification: Pathogenic for Breast-ovarian cancer, familial, susceptibility to, 2. Last evaluated: 2016-09-08. Review status: reviewed by expert panel. Criteria: ENIGMA BRCA1/2 Classification Criteria (2015). Collection method: curation. Allele origin: germline.
Comment: Variant allele predicted to encode a truncated non-functional protein.

Cambridge Genomics Laboratory, East Genomic Laboratory Hub, NHS Genomic Medicine Service
Classification: Pathogenic for Inherited breast cancer and ovarian cancer. Last evaluated: 2026-01-29. Review status: criteria provided, single submitter. Criteria: ACGS Best Practice Guidelines for Variant Classification in Rare Disease 2020. Collection method: clinical testing. Allele origin: germline. Affected: yes. Not counted in ClinVar's aggregate classification.
Comment: PVS1,PM2_Supporting,PM5_Strong

Center for Genomic Medicine, Rigshospitalet, Copenhagen University Hospital
Classification: Oncogenic for Neoplasm. Last evaluated: 2025-12-29. Review status: criteria provided, single submitter. Criteria: ClinGen/CGC/VICC Guidelines for Oncogenicity, 2022. Collection method: clinical testing. Allele origin: somatic. Affected: yes.

Labcorp Genetics (formerly Invitae), Labcorp
Classification: Pathogenic for Hereditary breast ovarian cancer syndrome. Last evaluated: 2025-12-17. Review status: criteria provided, single submitter. Criteria: Invitae Variant Classification Sherloc (09022015). Collection method: clinical testing. Allele origin: germline. Not counted in ClinVar's aggregate classification.
Comment: This sequence change creates a premature translational stop signal (p.Asn1784Thrfs*7) in the BRCA2 gene. It is expected to result in an absent or disrupted protein product. Loss-of-function variants in BRCA2 are known to be pathogenic (PMID: 20104584). This variant is not present in population databases (gnomAD no frequency). This premature translational stop signal has been observed in individual(s) with breast, ovarian, and prostate cancer (PMID: 8988179, 22923021, 25863477, 26360800). This variant is also known as 5573delA, 5579delA and c.5351insA (p.Asn1784Lysfs*3). ClinVar contains an entry for this variant (Variation ID: 37961). For these reasons, this variant has been classified as Pathogenic.

Ambry Genetics
Classification: Pathogenic for Hereditary cancer-predisposing syndrome. Last evaluated: 2025-05-09. Review status: criteria provided, single submitter. Criteria: Ambry Variant Classification Scheme 2023. Collection method: clinical testing. Allele origin: germline. Not counted in ClinVar's aggregate classification.
Comment: The c.5351delA pathogenic mutation, located in coding exon 10 of the BRCA2 gene, results from a deletion of one nucleotide at nucleotide position 5351, causing a translational frameshift with a predicted alternate stop codon (p.N1784Tfs*7). This mutation has been reported in an ovarian cancer family (Gayther SA et al. Nat. Genet. 1997 Jan;15:103-5) and in Korean individuals with personal and/or family histories of breast cancer (Kang E et al. Breast Cancer Res. Treat. 2015 May;151:157-68; Kim H et al. Breast Cancer Res. Treat. 2012 Aug;134:1315-26). This variant is considered to be rare based on population cohorts in the Genome Aggregation Database (gnomAD). Of note, this alteration is also designated as 5573delA and 5579delA in published literature. In addition to the clinical data presented in the literature, this alteration is expected to result in loss of function by premature protein truncation or nonsense-mediated mRNA decay. As such, this alteration is interpreted as a disease-causing mutation.

Center for Genomic Medicine, Rigshospitalet, Copenhagen University Hospital
Classification: Pathogenic. Last evaluated: 2025-03-04. Review status: criteria provided, single submitter. Criteria: ACMG Guidelines, 2015. Collection method: clinical testing. Allele origin: germline. Not counted in ClinVar's aggregate classification.

All of Us Research Program, National Institutes of Health
Classification: Pathogenic for BRCA2-related cancer predisposition. Last evaluated: 2024-07-29. Review status: criteria provided, single submitter. Criteria: ACMG Guidelines, 2015. Collection method: clinical testing. Allele origin: germline. Inheritance: Autosomal dominant inheritance. Observed: 1 variant allele, 1 heterozygote. Not counted in ClinVar's aggregate classification.
Comment: This variant deletes 1 nucleotide in exon 11 of the BRCA2 gene, creating a frameshift and premature translation stop signal. This variant is expected to result in an absent or non-functional protein product. To our knowledge, functional studies have not been reported for this variant. This variant has been detected in at least 3 individuals affected with breast and/or ovarian cancer (PMID: 22798144, 25682074, 25863477, 33471991; Leiden Open Variation Database DB-ID BRCA2_002881), one individual affected with prostate cancer (PMID: 26360800) and several hereditary breast and ovarian cancer families (PMID: 8988179, 11207042, 18465347, 29383094, 29907814). This variant has not been identified in the general population by the Genome Aggregation Database (gnomAD). Loss of BRCA2 function is a known mechanism of disease. Based on the available evidence, this variant is classified as Pathogenic.

This study involves interpretation of variants in research participants for the purpose of population health screening. Participant phenotype was not available at the time of variant classification. Additional details can be found in publication PMID: 35346344, PMCID: PMC8962531

Color Diagnostics, LLC DBA Color Health
Classification: Pathogenic for Hereditary cancer-predisposing syndrome. Last evaluated: 2024-05-15. Review status: criteria provided, single submitter. Criteria: ACMG Guidelines, 2015. Collection method: clinical testing. Allele origin: germline. Not counted in ClinVar's aggregate classification.
Comment: This variant deletes 1 nucleotide in exon 11 of the BRCA2 gene, creating a frameshift and premature translation stop signal. This variant is expected to result in an absent or non-functional protein product. This variant has been detected in at least 3 individuals affected with breast and/or ovarian cancer (PMID: 22798144, 25682074, 25863477, 33471991; Leiden Open Variation Database DB-ID BRCA2_002881), one individual affected with prostate cancer (PMID: 26360800) and several hereditary breast and ovarian cancer families (PMID: 8988179, 11207042, 18465347, 29383094, 29907814). This variant has not been identified in the general population by the Genome Aggregation Database (gnomAD). Loss of BRCA2 function is a known mechanism of disease. Based on the available evidence, this variant is classified as Pathogenic.

Baylor Genetics
Classification: Pathogenic for Familial cancer of breast. Last evaluated: 2024-02-27. Review status: criteria provided, single submitter. Criteria: ACMG Guidelines, 2015. Collection method: clinical testing. Allele origin: unknown. Not counted in ClinVar's aggregate classification.

GeneDx
Classification: Pathogenic. Last evaluated: 2023-08-29. Review status: criteria provided, single submitter. Criteria: GeneDx Variant Classification Process June 2021. Collection method: clinical testing. Allele origin: germline. Affected: yes. Not counted in ClinVar's aggregate classification.
Comment: Frameshift variant predicted to result in protein truncation or nonsense mediated decay in a gene for which loss-of-function is a known mechanism of disease; Observed in individuals with a personal or family history consistent with pathogenic variants in this gene (Gayther et al., 1997; Pages et al., 2001; Thomassen et al., 2008; Kang et al., 2015; Roed Nielsen et al., 2016); Not observed at significant frequency in large population cohorts (gnomAD); Truncating variants in this gene are considered pathogenic by a well-established clinical consortium and/or database; Also known as 5579delA; This variant is associated with the following publications: (PMID: 24612714, 18465347, 26187060, 8988179, 22798144, 25863477, 26360800, 11207042, 23415752, 17688236, 25682074, 29907814, 10486320, 22923021, 29446198, 30093976, 30875412, 30787465, 34645131)

HudsonAlpha Institute for Biotechnology
Classification: Pathogenic for Breast-ovarian cancer, familial, susceptibility to, 2. Last evaluated: 2022-08-30. Review status: criteria provided, single submitter. Criteria: ACMG Guidelines, 2015. Collection method: research. Allele origin: paternal. Observed: 1 variant allele. Study: HudsonAlpha-AGHI-WGS. Not counted in ClinVar's aggregate classification.
Comment: ACMG codes:PVS1_VeryStrong, PS4_Moderate, PM2_Moderate

Revvity Omics, Revvity
Classification: Pathogenic. Last evaluated: 2022-04-19. Review status: criteria provided, single submitter. Criteria: ACMG Guidelines, 2015. Collection method: clinical testing. Allele origin: germline. Not counted in ClinVar's aggregate classification.

NM_000059.4(BRCA2):c.5351del (p.Asn1784fs)

Gene: BRCA2 (BRCA2 DNA repair associated; plus strand). Cytogenetic location: 13q13.1.
Variant type: Deletion.
Coding change: c.5351del on transcript NM_000059.4 (MANE Select); coding-DNA position 5351, one base deleted (A; older notation c.5351delA).
Protein change: p.Asn1784fs; shifts the reading frame from asparagine 1784.
Molecular consequence: frameshift variant.
Genome position (GRCh38, 1-based): chr13:32,339,706, A deleted; the last of 7 consecutive A bases (chr13:32,339,700-32,339,706); deleting any one gives the same sequence. VCF-style (leftmost placement, unchanged base first): chr13-32339699-CA-C. GRCh37 (hg19) VCF-style: chr13-32913836-CA-C.
Other names: 5579delA; c.5351delA (NM_000059.3).
Identifiers: ClinVar variation 37961 (VCV000037961.39), dbSNP rs80359507, ClinGen allele CA022110.